The following is an entry in ClinVar:

NM_018192.4(P3H2):c.480+156A>C

Gene: P3H2 (prolyl 3-hydroxylase 2; minus strand). Cytogenetic location: 3q28.
Variant type: single nucleotide variant.
Coding change: c.480+156A>C on transcript NM_018192.4 (MANE Select); 156 bases into the intron after coding-DNA position 480, A replaced by C.
Molecular consequence: intron variant.
Genome position (GRCh38, 1-based): chr3:190,120,096, T>G on the plus strand (A>C on the coding strand, the complement: P3H2 is on the minus strand). VCF-style: chr3-190120096-T-G. GRCh37 (hg19) VCF-style: chr3-189837885-T-G.
Other names: c.-64+2107A>C (NM_001134418.2).
Identifiers: ClinVar variation 1706840 (VCV001706840.2), dbSNP rs150011190, ClinGen allele CA90197183.

ClinVar aggregate classification (germline): Likely benign (1 of 4 stars; one submission).

Allele frequency attached by ClinVar (database versions not stated): 1000 Genomes Project 0.00519; 1000 Genomes Project 30x 0.00531.
gnomAD v4.1: 738 of 152,266 alleles (0.48%); highest among the groups gnomAD compares: African/African-American, 1.7%; 6 homozygotes.

Submission:

GeneDx
Classification: Likely benign. Last evaluated: 2018-07-31. Review status: criteria provided, single submitter. Criteria: GeneDx Variant Classification Process June 2021. Collection method: clinical testing. Allele origin: germline. Affected: yes.
Comment: See Variant Classification Assertion Criteria.